The following is an entry in ClinVar:

ClinVar aggregate classification (germline): Uncertain significance (1 of 4 stars; one submission).

Allele frequency attached by ClinVar (database versions not stated): gnomAD exomes below 0.00001; TOPMed below 0.00001; gnomAD 0.00001.
gnomAD v4.1: 3 of 1,612,366 alleles (0.00019%); highest among the groups gnomAD compares: African/African-American, 0.004%; no homozygotes.

Submission:

Labcorp Genetics (formerly Invitae), Labcorp
Classification: Uncertain significance. Last evaluated: 2025-09-08. Review status: criteria provided, single submitter. Criteria: Invitae Variant Classification Sherloc (09022015). Collection method: clinical testing. Allele origin: germline.
Comment: This sequence change falls in intron 14 of the MYO7A gene. It does not directly change the encoded amino acid sequence of the MYO7A protein. It affects a nucleotide within the consensus splice site. This variant is not present in population databases (gnomAD no frequency). This variant has not been reported in the literature in individuals affected with MYO7A-related conditions. ClinVar contains an entry for this variant (Variation ID: 1921394). Variants that disrupt the consensus splice site are a relatively common cause of aberrant splicing (PMID: 17576681, 9536098). Algorithms developed to predict the effect of sequence changes on RNA splicing suggest that this variant is not likely to affect RNA splicing. In summary, the available evidence is currently insufficient to determine the role of this variant in disease. Therefore, it has been classified as a Variant of Uncertain Significance.

Literature cited by the submitters: PubMed 17576681; PubMed 9536098.

NM_000260.4(MYO7A):c.1691-3C>T

Gene: MYO7A (myosin VIIA; plus strand). Cytogenetic location: 11q13.5.
Variant type: single nucleotide variant.
Coding change: c.1691-3C>T on transcript NM_000260.4 (MANE Select); 3 bases into the intron before coding-DNA position 1691, C replaced by T.
Molecular consequence: intron variant.
Genome position (GRCh38, 1-based): chr11:77,166,053, C>T. VCF-style: chr11-77166053-C-T. GRCh37 (hg19) VCF-style: chr11-76877099-C-T.
Other names: c.1658-3C>T (NM_001369365.1); c.1691-3C>T (NM_001127180.2).
Identifiers: ClinVar variation 1921394 (VCV001921394.5), dbSNP rs1953510930, ClinGen allele CA939768365.